The following is an entry in ClinVar:

ClinVar aggregate classification (germline): Uncertain significance (1 of 4 stars; one submission).

Allele frequency attached by ClinVar (database versions not stated): TOPMed below 0.00001; gnomAD exomes 0.00001; ExAC 0.00003.

Submission:

Mayo Clinic Laboratories, Mayo Clinic
Classification: Uncertain significance. Last evaluated: 2022-07-22. Review status: criteria provided, single submitter. Criteria: ACMG Guidelines, 2015. Collection method: clinical testing. Allele origin: germline. Observed: 1 variant allele.
Comment: PM2

NM_000178.4(GSS):c.997G>A (p.Ala333Thr)

Gene: GSS (glutathione synthetase; minus strand). Cytogenetic location: 20q11.22.
Variant type: single nucleotide variant.
Coding change: c.997G>A on transcript NM_000178.4 (MANE Select); coding-DNA position 997, G replaced by A.
Protein change: p.Ala333Thr; replaces alanine 333 with threonine.
Molecular consequence: missense variant.
Genome position (GRCh38, 1-based): chr20:34,931,971, C>T on the plus strand (G>A on the coding strand, the complement: GSS is on the minus strand). VCF-style: chr20-34931971-C-T. GRCh37 (hg19) VCF-style: chr20-33519774-C-T.
Other names: p.Ala333Thr; c.997G>A, p.Ala333Thr (NM_001322494.1, NM_001322495.1); short protein forms A333T.
Identifiers: ClinVar variation 2683540 (VCV002683540.1), dbSNP rs746982487, ClinGen allele CA9825912.